The following is an entry in ClinVar:

ClinVar aggregate classification (germline): Pathogenic. Review status: criteria provided, multiple submitters, no conflicts (2 of 4 stars). 2 submissions from 2 submitters: Pathogenic (2). Last evaluated 2024-08-28.

Conditions:
Polycystic kidney disease, adult type (PKD1). Also called: Polycystic Kidney, Autosomal Dominant; POLYCYSTIC KIDNEY DISEASE 1 WITH OR WITHOUT POLYCYSTIC LIVER DISEASE; POLYCYSTIC KIDNEY DISEASE, ADULT, TYPE I; Polycystic Kidney Disease 1, Autosomal Dominant; Polycystic kidney disease 1; Polycystic kidney disease 1, severe. Identifiers: MedGen C3149841, MONDO:0008263, OMIM 173900.

Submissions (2):

3billion
Classification: Pathogenic for Polycystic kidney disease, adult type. Last evaluated: 2024-08-28. Review status: criteria provided, single submitter. Criteria: ACMG Guidelines, 2015. Collection method: clinical testing. Allele origin: germline. Affected: yes.
Comment: The variant is not observed in the gnomAD v4.0.0 dataset. Predicted Consequence/Location: Canonical splice site: predicted to alter splicing and result in a loss or disruption of normal protein function. Multiple pathogenic loss-of-function variants are reported downstream of the variant. In silico tools predict the variant to alter splicing and produce an abnormal transcript [SpliceAI: 1.00 (spliceogenicity >=0.2, non-spliceogenicity <0.1)]. The variant has been reported to be associated with PKD1-related disorder (ClinVar ID: VCV003335866 /PMID: 17582161). Therefore, this variant is classified as Pathogenic according to the recommendation of ACMG/AMP guideline.

Juno Genomics, Hangzhou Juno Genomics, Inc
Classification: Pathogenic for Polycystic kidney disease, adult type. Review status: criteria provided, single submitter. Criteria: ACMG Guidelines, 2015. Collection method: clinical testing. Allele origin: germline. Affected: yes.
Comment: Null variant in a gene where loss of function (LOF) is a known mechanism of disease.;Absent from controls (or at extremely low frequency if recessive) in Genome Aggregation Database, Exome Sequencing Project, 1000 Genomes Project, or Exome Aggregation Consortium.;The prevalence of the variant in affected individuals is significantly increased compared to the prevalence in controls.;Patient's phenotype or family history is highly specific for a disease with a single genetic etiology.

Literature cited by the submitters: PubMed 17582161 (cited by 3billion).

NM_001009944.3(PKD1):c.8792-2A>G

Gene: PKD1 (polycystin 1, transient receptor potential channel interacting; minus strand). Cytogenetic location: 16p13.3.
Variant type: single nucleotide variant.
Coding change: c.8792-2A>G on transcript NM_001009944.3 (MANE Select); the canonical splice acceptor site of the intron before coding-DNA position 8792, A replaced by G.
Molecular consequence: splice acceptor variant.
Genome position (GRCh38, 1-based): chr16:2,102,972, T>C on the plus strand (A>G on the coding strand, the complement: PKD1 is on the minus strand). VCF-style: chr16-2102972-T-C. GRCh37 (hg19) VCF-style: chr16-2152973-T-C.
Other names: c.8792-2A>G (NM_000296.4).
Identifiers: ClinVar variation 3335866 (VCV003335866.3).